The following is an entry in ClinVar:

NM_001085411.3(NADK2):c.951G>A (p.Lys317=)

Gene: NADK2 (NAD kinase 2, mitochondrial; minus strand). Cytogenetic location: 5p13.2.
Variant type: single nucleotide variant.
Coding change: c.951G>A on transcript NM_001085411.3 (MANE Select); coding-DNA position 951, G replaced by A.
Protein change: p.Lys317=; no amino-acid change (lysine 317 retained).
Molecular consequence: synonymous variant.
Genome position (GRCh38, 1-based): chr5:36,207,175, C>T on the plus strand (G>A on the coding strand, the complement: NADK2 is on the minus strand). VCF-style: chr5-36207175-C-T. GRCh37 (hg19) VCF-style: chr5-36207277-C-T.
Other names: c.462G>A, p.Lys154= (NM_001287340.2, NM_153013.5); c.528G>A, p.Lys176= (NM_001287341.2).
Identifiers: ClinVar variation 512778 (VCV000512778.1), dbSNP rs1159478223, ClinGen allele CA443898136.

ClinVar aggregate classification (germline): Likely benign (1 of 4 stars; one submission).

Allele frequency attached by ClinVar (database versions not stated): gnomAD exomes below 0.00001; gnomAD 0.00001 and 0.00003.

Submission:

GeneDx
Classification: Likely benign. Last evaluated: 2017-11-01. Review status: criteria provided, single submitter. Criteria: GeneDx Variant Classification (06012015). Collection method: clinical testing. Allele origin: germline. Affected: yes.
Comment: This variant is considered likely benign or benign based on one or more of the following criteria: it is a conservative change, it occurs at a poorly conserved position in the protein, it is predicted to be benign by multiple in silico algorithms, and/or has population frequency not consistent with disease.